The following is an entry in ClinVar:

NM_016239.4(MYO15A):c.1450C>T (p.Gln484Ter)

Gene: MYO15A (myosin XVA; plus strand). Cytogenetic location: 17p11.2.
Variant type: single nucleotide variant.
Coding change: c.1450C>T on transcript NM_016239.4 (MANE Select); coding-DNA position 1450, C replaced by T.
Protein change: p.Gln484Ter; replaces glutamine 484 with a stop codon.
Molecular consequence: nonsense.
Genome position (GRCh38, 1-based): chr17:18,120,250, C>T. VCF-style: chr17-18120250-C-T. GRCh37 (hg19) VCF-style: chr17-18023564-C-T.
Other names: short protein forms Q484*.
Identifiers: ClinVar variation 3601305 (VCV003601305.1).

ClinVar aggregate classification (germline): Likely pathogenic (1 of 4 stars; one submission).

Conditions:
Autosomal recessive nonsyndromic hearing loss 3. Also called: NEUROSENSORY NONSYNDROMIC RECESSIVE DEAFNESS 3. Identifiers: Orphanet 90636, MedGen C1838263, MONDO:0010860, OMIM 600316.

gnomAD v4.1: 1 of 1,612,202 alleles (0.000062%); highest among the groups gnomAD compares: Admixed American, 0.0017%; no homozygotes.

Submission:

Institute of Rare Diseases, West China Hospital, Sichuan University
Classification: Likely pathogenic for Autosomal recessive nonsyndromic hearing loss 3. Last evaluated: 2025-01-09. Review status: criteria provided, single submitter. Criteria: ClinGen HL ACMG Specifications v1. Collection method: research. Allele origin: germline. Affected: yes.
Comment: PVS1;PM2_Supporting